The following is an entry in ClinVar:

NM_024809.5(TCTN2):c.*67C>T

Gene: TCTN2 (tectonic family member 2; plus strand). Cytogenetic location: 12q24.31.
Variant type: single nucleotide variant.
Coding change: c.*67C>T on transcript NM_024809.5 (MANE Select); 67 bases downstream of the stop codon, C replaced by T.
Molecular consequence: 3 prime UTR variant.
Genome position (GRCh38, 1-based): chr12:123,707,780, C>T. VCF-style: chr12-123707780-C-T. GRCh37 (hg19) VCF-style: chr12-124192327-C-T.
Other names: c.*67C>T (NM_001143850.3).
Identifiers: ClinVar variation 368984 (VCV000368984.9), dbSNP rs112214860, ClinGen allele CA10654488.

ClinVar aggregate classification (germline): Benign/Likely benign. Review status: criteria provided, multiple submitters, no conflicts (2 of 4 stars). 4 submissions from 3 submitters: Benign (1); Likely benign (3). Last evaluated 2018-07-15.

Conditions:
Joubert syndrome 24 (JBTS24). Identifiers: Orphanet 475, MedGen C4084841, MONDO:0014724, OMIM 616654.
Meckel syndrome, type 8. Identifiers: Orphanet 564, MedGen C3836857, MONDO:0013482, OMIM 613885.

Allele frequency attached by ClinVar (database versions not stated): 1000 Genomes Project 30x 0.01031; 1000 Genomes Project 0.01058; gnomAD 0.01216; TOPMed 0.01398.
gnomAD v4.1: 3,343 of 1,219,998 alleles (0.27%); highest among the groups gnomAD compares: African/African-American, 4.2%; 68 homozygotes.

Submissions (4):

GeneDx
Classification: Likely benign. Last evaluated: 2018-07-15. Review status: criteria provided, single submitter. Criteria: GeneDx Variant Classification Process June 2021. Collection method: clinical testing. Allele origin: germline. Affected: yes.

Illumina Laboratory Services, Illumina
Classification: Benign for Joubert syndrome 24. Last evaluated: 2018-01-13. Review status: criteria provided, single submitter. Criteria: ICSL Variant Classification Criteria 13 December 2019. Collection method: clinical testing. Allele origin: germline.
Comment: This variant was observed in the ICSL laboratory as part of a predisposition screen in an ostensibly healthy population. It had not been previously curated by ICSL or reported in the Human Gene Mutation Database (HGMD: prior to June 1st, 2018), and was therefore a candidate for classification through an automated scoring system. Utilizing variant allele frequency, disease prevalence and penetrance estimates, and inheritance mode, an automated score was calculated to assess if this variant is too frequent to cause the disease. Based on the score and internal cut-off values, a variant classified as benign is not then subjected to further curation. The score for this variant resulted in a classification of benign for this disease.

Illumina Laboratory Services, Illumina
Classification: Likely benign for Meckel syndrome, type 8. Last evaluated: 2018-01-13. Review status: criteria provided, single submitter. Criteria: ICSL Variant Classification Criteria 13 December 2019. Collection method: clinical testing. Allele origin: germline.
Comment: This variant was observed in the ICSL laboratory as part of a predisposition screen in an ostensibly healthy population. It had not been previously curated by ICSL or reported in the Human Gene Mutation Database (HGMD: prior to June 1st, 2018), and was therefore a candidate for classification through an automated scoring system. Utilizing variant allele frequency, disease prevalence and penetrance estimates, and inheritance mode, an automated score was calculated to assess if this variant is too frequent to cause the disease. Based on the score and internal cut-off values, a variant classified as likely benign is not then subjected to further curation. The score for this variant resulted in a classification of likely benign for this disease.

Breakthrough Genomics
Classification: Likely benign. Review status: criteria provided, single submitter. Criteria: ACMG Guidelines, 2015. Collection method: not provided. Allele origin: germline. Inheritance: Autosomal recessive inheritance. Affected: yes.